The following is an entry in ClinVar:

ClinVar aggregate classification (germline): Uncertain significance (1 of 4 stars; one submission).

Allele frequency attached by ClinVar (database versions not stated): gnomAD exomes below 0.00001.
gnomAD v4.1: 2 of 1,597,580 alleles (0.00013%); highest among the groups gnomAD compares: Non-Finnish European, 0.00017%; no homozygotes.

Submission:

Ambry Genetics
Classification: Uncertain significance. Last evaluated: 2022-01-02. Review status: criteria provided, single submitter. Criteria: Ambry Variant Classification Scheme 2023. Collection method: clinical testing. Allele origin: germline.
Comment: The p.P4114S variant (also known as c.12340C>T), located in coding exon 86 of the PRKDC gene, results from a C to T substitution at nucleotide position 12340. The proline at codon 4114 is replaced by serine, an amino acid with similar properties. This amino acid position is conserved. In addition, this alteration is predicted to be deleterious by in silico analysis. Since supporting evidence is limited at this time, the clinical significance of this alteration remains unclear.

NM_006904.7(PRKDC):c.12340C>T (p.Pro4114Ser)

Gene: PRKDC (protein kinase, DNA-activated, catalytic subunit; minus strand). Cytogenetic location: 8q11.21.
Variant type: single nucleotide variant.
Coding change: c.12340C>T on transcript NM_006904.7 (MANE Select); coding-DNA position 12340, C replaced by T.
Protein change: p.Pro4114Ser; replaces proline 4114 with serine.
Molecular consequence: missense variant.
Genome position (GRCh38, 1-based): chr8:47,774,220, G>A on the plus strand (C>T on the coding strand, the complement: PRKDC is on the minus strand). VCF-style: chr8-47774220-G-A. GRCh37 (hg19) VCF-style: chr8-48686781-G-A.
Other names: c.12247C>T, p.Pro4083Ser (NM_001081640.2); short protein forms P4083S, P4114S.
Identifiers: ClinVar variation 1756305 (VCV001756305.2), dbSNP rs1254392577, ClinGen allele CA371126539.